The following is an entry in ClinVar:

NM_000540.3(RYR1):c.3172G>A (p.Glu1058Lys)

Gene: RYR1 (ryanodine receptor 1; plus strand). Cytogenetic location: 19q13.2.
Variant type: single nucleotide variant.
Coding change: c.3172G>A on transcript NM_000540.3 (MANE Select); coding-DNA position 3172, G replaced by A.
Protein change: p.Glu1058Lys; replaces glutamic acid 1058 with lysine.
Molecular consequence: missense variant.
Genome position (GRCh38, 1-based): chr19:38,466,392, G>A. VCF-style: chr19-38466392-G-A. GRCh37 (hg19) VCF-style: chr19-38957032-G-A.
Other names: c.3172G>A, p.Glu1058Lys (NM_001042723.2); short protein forms E1058K.
Identifiers: ClinVar variation 978526 (VCV000978526.6), dbSNP rs1968107192, ClinGen allele CA405636001.

ClinVar aggregate classification (germline): Uncertain significance. Review status: reviewed by expert panel (3 of 4 stars). 2 submissions from 2 submitters: Uncertain significance (1). 1 of the submissions does not count toward it. Last evaluated 2025-08-01.

Conditions:
RYR1-related disorder. Also called: RYR1-related condition; RYR1-related disorders. Identifiers: MedGen CN239331.
Malignant hyperthermia, susceptibility to, 1 (MHS1). Also called: Anesthesia related hyperthermia; Malignant hyperpyrexia; Fulminating hyperpyrexia; Pharmacogenic myopathy; Malignant hyperthermia suceptibility 1; RYR1-Related Malignant Hyperthermia Susceptibility. Identifiers: Orphanet 423, MedGen C2930980, MONDO:0007783, OMIM 145600.

Submissions (2):

ClinGen Malignant Hyperthermia Susceptibility Variant Curation Expert Panel, ClinGen
Classification: Uncertain significance for Malignant hyperthermia, susceptibility to, 1. Last evaluated: 2025-08-01. Review status: reviewed by expert panel. Criteria: ClinGen MHS ACMG Specifications V2. Collection method: curation. Allele origin: germline. Inheritance: Autosomal dominant inheritance.
Comment: This pathogenicity assessment is relevant only for malignant hyperthermia susceptibility (MHS) inherited in an autosomal dominant pattern. Variants in RYR1 can also cause other myopathies inherited in an autosomal dominant pattern or in an autosomal recessive pattern. Some of these disorders may predispose individuals to malignant hyperthermia. RYR1 variants may also contribute to a malignant hyperthermia reaction in combination with other genetic and non-genetic factors and the clinician needs to consider such factors in making management decisions. This sequence variant predicts a substitution of glutamic acid with lysine at codon 1058 of the RYR1 protein, p.Glu1058Lys. This variant was not present in a large population database (gnomAD) at the time this variant was interpreted. This variant has been reported in two unrelated individuals who have a personal or family history of a malignant hyperthermia reaction, both of these individuals had a positive in vitro contracture test (IVCT) or caffeine halothane contracture test (CHCT) result (if the proband was unavailable for testing, a positive diagnostic test result in a mutation-positive relative was counted) (PMID:19346234, PMID:30236257). Three additional cases have been identified in clinical laboratories associated with the MHS-RYR1 VCEP, all three cases had a personal or family history of a malignant hyperthermia reaction but only two had contracture testing, PS4_Moderate (MH Investigation Unit (MHIU), UHN, Toronto (2 cases), The UK (Leeds) MH Unit (1 case)). No functional studies were identified for this variant. This variant does not reside in a hotspot for pathogenic variants that contribute to MHS. A REVEL score of 0.78 supports neither a pathogenic nor a benign status for this variant. This variant has been classified as a Variant of Unknown Significance. Criteria implemented: PS4_Moderate.

Labcorp Genetics (formerly Invitae), Labcorp
Classification: Uncertain significance for RYR1-related disorder. Last evaluated: 2022-11-19. Review status: criteria provided, single submitter. Criteria: Invitae Variant Classification Sherloc (09022015). Collection method: clinical testing. Allele origin: germline. Not counted in ClinVar's aggregate classification.
Comment: In summary, the available evidence is currently insufficient to determine the role of this variant in disease. Therefore, it has been classified as a Variant of Uncertain Significance. Experimental studies have shown that this missense change affects RYR1 function (PMID: 20142353). This sequence change replaces glutamic acid, which is acidic and polar, with lysine, which is basic and polar, at codon 1058 of the RYR1 protein (p.Glu1058Lys). This missense change has been observed in individual(s) with malignant hyperthermia susceptibility (PMID: 20142353). This variant is not present in population databases (gnomAD no frequency). Advanced modeling of protein sequence and biophysical properties (such as structural, functional, and spatial information, amino acid conservation, physicochemical variation, residue mobility, and thermodynamic stability) has been performed at Invitae for this missense variant, however the output from this modeling did not meet the statistical confidence thresholds required to predict the impact of this variant on RYR1 protein function. ClinVar contains an entry for this variant (Variation ID: 978526).

Literature cited by the submitters: PubMed 20142353 (cited by Labcorp Genetics (formerly Invitae), Labcorp).